The following is an entry in ClinVar:

ClinVar aggregate classification (germline): Conflicting classifications of pathogenicity. Review status: criteria provided, conflicting classifications (1 of 4 stars). 6 submissions from 6 submitters: Uncertain significance (5); Benign (1). Last evaluated 2026-01-13.

Conditions:
Developmental and epileptic encephalopathy, 28 (DEE28). Also called: Epileptic encephalopathy, early infantile, 28. Identifiers: Orphanet 442835, MedGen C4015519, MONDO:0014533, OMIM 616211.
Malignant tumor of esophagus. Also called: Esophageal cancer; Esophageal cancer, somatic. Identifiers: Orphanet 99977, MedGen C0546837, MONDO:0007576, OMIM 133239.
Autosomal recessive spinocerebellar ataxia 12. Also called: SPINOCEREBELLAR ATAXIA WITH MENTAL RETARDATION AND EPILEPSY. Identifiers: Orphanet 284282, MedGen C3280452, MONDO:0013687, OMIM 614322.
Developmental and epileptic encephalopathy, 1 (DEE1). Also called: X-linked infantile spasms; West's syndrome; Tonic spasms with clustering, arrest of psychomotor development and hypsarrhythmia on EEG; X-Linked Infantile Spasm Syndrome; OHTAHARA SYNDROME, X-LINKED; Epileptic encephalopathy, early infantile, 1. Identifiers: MedGen C3463992, MONDO:0010632, OMIM 308350. Disease mechanism: loss of function.

gnomAD v4.1: 81 of 1,613,722 alleles (0.005%); highest among the groups gnomAD compares: African/African-American, 0.067%; no homozygotes.

Submissions (6):

Labcorp Genetics (formerly Invitae), Labcorp
Classification: Benign for Developmental and epileptic encephalopathy, 1; Autosomal recessive spinocerebellar ataxia 12. Last evaluated: 2026-01-13. Review status: criteria provided, single submitter. Criteria: Invitae Variant Classification Sherloc (09022015). Collection method: clinical testing. Allele origin: germline.

GeneDx
Classification: Uncertain significance. Last evaluated: 2025-11-05. Review status: criteria provided, single submitter. Criteria: GeneDx Variant Classification Process June 2021. Collection method: clinical testing. Allele origin: germline. Affected: yes.
Comment: In silico analysis suggests that this missense variant does not alter protein structure/function; Has not been previously published as pathogenic or benign to our knowledge; This variant is associated with the following publications: (PMID: 25411445)

Blueprint Genetics
Classification: Uncertain significance. Last evaluated: 2024-11-26. Review status: criteria provided, single submitter. Criteria: ACMG Guidelines, 2015. Collection method: clinical testing. Allele origin: germline.

ARUP Laboratories, Molecular Genetics and Genomics, ARUP Laboratories
Classification: Uncertain significance. Last evaluated: 2024-06-28. Review status: criteria provided, single submitter. Criteria: ARUP Molecular Germline Variant Investigation Process 2024. Collection method: clinical testing. Allele origin: germline.

Fulgent Genetics
Classification: Uncertain significance for Malignant tumor of esophagus; Autosomal recessive spinocerebellar ataxia 12; Developmental and epileptic encephalopathy, 28. Last evaluated: 2021-11-18. Review status: criteria provided, single submitter. Criteria: ACMG Guidelines, 2015. Collection method: clinical testing. Allele origin: unknown.

CeGaT Center for Human Genetics Tuebingen
Classification: Uncertain significance. Last evaluated: 2021-09-01. Review status: criteria provided, single submitter. Criteria: CeGaT Center For Human Genetics Tuebingen Variant Classification Criteria Version 2. Collection method: clinical testing. Allele origin: germline. Affected: yes. Observed: 1 variant allele.

NM_016373.4(WWOX):c.535G>T (p.Ala179Ser)

Gene: WWOX (WW domain containing oxidoreductase; plus strand). Cytogenetic location: 16q23.1.
Variant type: single nucleotide variant.
Coding change: c.535G>T on transcript NM_016373.4 (MANE Select); coding-DNA position 535, G replaced by T.
Protein change: p.Ala179Ser; replaces alanine 179 with serine.
Molecular consequence: missense variant.
Genome position (GRCh38, 1-based): chr16:78,386,878, G>T. VCF-style: chr16-78386878-G-T. GRCh37 (hg19) VCF-style: chr16-78420775-G-T.
Other names: c.196G>T, p.Ala66Ser (NM_001291997.2); short protein forms A179S, A66S.
Identifiers: ClinVar variation 473027 (VCV000473027.51), dbSNP rs11545029, ClinGen allele CA8183322.